The following is an entry in ClinVar:

NM_001365951.3(KIF1B):c.4988A>C (p.Glu1663Ala)

Gene: KIF1B (kinesin family member 1B; plus strand). Cytogenetic location: 1p36.22.
Variant type: single nucleotide variant.
Coding change: c.4988A>C on transcript NM_001365951.3 (MANE Select); coding-DNA position 4988, A replaced by C.
Protein change: p.Glu1663Ala; replaces glutamic acid 1663 with alanine.
Molecular consequence: missense variant.
Genome position (GRCh38, 1-based): chr1:10,374,357, A>C. VCF-style: chr1-10374357-A-C. GRCh37 (hg19) VCF-style: chr1-10434415-A-C.
Other names: c.4988A>C, p.Glu1663Ala (NM_001365952.1); c.4850A>C, p.Glu1617Ala (NM_015074.3); short protein forms E1617A, E1663A.
Identifiers: ClinVar variation 1009311 (VCV001009311.10), dbSNP rs1638827878, ClinGen allele CA338328877.

ClinVar aggregate classification (germline): Uncertain significance. Review status: criteria provided, multiple submitters, no conflicts (2 of 4 stars). 2 submissions from 2 submitters: Uncertain significance (2). Last evaluated 2026-09-04.

Conditions:
Charcot-Marie-Tooth disease type 2. Also called: Charcot-Marie-Tooth type 2. Identifiers: Orphanet 64746, MedGen C0270914, MONDO:0018993.

Allele frequency attached by ClinVar (database versions not stated): gnomAD exomes below 0.00001.

Submissions (2):

Ambry Genetics
Classification: Uncertain significance. Last evaluated: 2026-09-04. Review status: criteria provided, single submitter. Criteria: Ambry Variant Classification Scheme 2023. Collection method: clinical testing. Allele origin: germline.
Comment: The p.E1617A variant (also known as c.4850A>C), located in coding exon 43 of the KIF1B gene, results from an A to C substitution at nucleotide position 4850. The glutamic acid at codon 1617 is replaced by alanine, an amino acid with dissimilar properties. This amino acid position is conserved. In addition, this alteration is predicted to be tolerated by in silico analysis. Based on the available evidence, the clinical significance of this variant remains unclear.

Labcorp Genetics (formerly Invitae), Labcorp
Classification: Uncertain significance for Charcot-Marie-Tooth disease type 2. Last evaluated: 2024-04-23. Review status: criteria provided, single submitter. Criteria: Invitae Variant Classification Sherloc (09022015). Collection method: clinical testing. Allele origin: germline.
Comment: This sequence change replaces glutamic acid, which is acidic and polar, with alanine, which is neutral and non-polar, at codon 1617 of the KIF1B protein (p.Glu1617Ala). This variant is not present in population databases (gnomAD no frequency). This variant has not been reported in the literature in individuals affected with KIF1B-related conditions. ClinVar contains an entry for this variant (Variation ID: 1009311). An algorithm developed to predict the effect of missense changes on protein structure and function (PolyPhen-2) suggests that this variant is likely to be tolerated. In summary, the available evidence is currently insufficient to determine the role of this variant in disease. Therefore, it has been classified as a Variant of Uncertain Significance.